The following is an entry in ClinVar:

NM_004380.3(CREBBP):c.6622C>T (p.Gln2208Ter)

Gene: CREBBP (CREB binding lysine acetyltransferase; minus strand). Cytogenetic location: 16p13.3.
Variant type: single nucleotide variant.
Coding change: c.6622C>T on transcript NM_004380.3 (MANE Select); coding-DNA position 6622, C replaced by T.
Protein change: p.Gln2208Ter; replaces glutamine 2208 with a stop codon.
Molecular consequence: nonsense.
Genome position (GRCh38, 1-based): chr16:3,728,425, G>A on the plus strand (C>T on the coding strand, the complement: CREBBP is on the minus strand). VCF-style: chr16-3728425-G-A. GRCh37 (hg19) VCF-style: chr16-3778426-G-A.
Other names: c.6508C>T, p.Gln2170Ter (NM_001079846.1); short protein forms Q2170*, Q2208*.
Identifiers: ClinVar variation 4852704 (VCV004852704.2).

ClinVar aggregate classification (germline): Uncertain significance (1 of 4 stars; one submission).

Submission:

Dasa
Classification: Uncertain significance. Last evaluated: 2025-06-04. Review status: criteria provided, single submitter. Criteria: DASA Assertion Criteria. Collection method: clinical testing. Allele origin: germline.
Comment: NM_004380.3(CREBBP):c.6622C>T (p.Gln2208*) is a nonsense variant in CREBBP predicted to introduce a premature termination codon and is predicted to result in an absent or altered protein product. This variant is rare in population databases. The currently available literature and clinical evidence are not sufficient to establish a definitive association between this variant and the reported condition. Therefore, this variant is classified as a variant of uncertain significance.